The following is an entry in ClinVar:

ClinVar aggregate classification (germline): Likely pathogenic (1 of 4 stars; one submission).

Conditions:
Tay-Sachs disease (TSD). Also called: GM2 gangliosidosis, type 1; Hexosaminidase alpha-subunit deficiency (variant B); Sphingolipidosis, Tay-Sachs; Hexosaminidase A Deficiency; HEXA DEFICIENCY; HEXA Disorders. Identifiers: Orphanet 845, MedGen C0039373, MONDO:0010100, OMIM 272800.

Submission:

Myriad Genetics, Inc.
Classification: Likely pathogenic for Tay-Sachs disease. Last evaluated: 2021-12-21. Review status: criteria provided, single submitter. Criteria: Myriad Women's Health Autosomal Recessive and X-Linked Classification Criteria (2021). Collection method: clinical testing. Allele origin: unknown.
Comment: NM_000520.4(HEXA):c.1294A>T(K432*) is expected to be pathogenic in the context of hexosaminidase A deficiency. This variant is predicted to lead to an abnormal or absent protein product due to the creation of a premature termination codon in HEXA, a gene where loss-of-function variants are known to be pathogenic. Please note: this variant was assessed in the context of healthy population screening.

NM_000520.6(HEXA):c.1294A>T (p.Lys432Ter)

Gene: HEXA (hexosaminidase subunit alpha; minus strand). Cytogenetic location: 15q23.
Variant type: single nucleotide variant.
Coding change: c.1294A>T on transcript NM_000520.6 (MANE Select); coding-DNA position 1294, A replaced by T.
Protein change: p.Lys432Ter; replaces lysine 432 with a stop codon.
Molecular consequence: nonsense.
Genome position (GRCh38, 1-based): chr15:72,346,563, T>A on the plus strand (A>T on the coding strand, the complement: HEXA is on the minus strand). VCF-style: chr15-72346563-T-A. GRCh37 (hg19) VCF-style: chr15-72638904-T-A.
Other names: c.1327A>T, p.Lys443Ter (NM_001318825.2); short protein forms K432*, K443*.
Identifiers: ClinVar variation 1726551 (VCV001726551.2), dbSNP rs2542514045, ClinGen allele CA393060534.